The following is an entry in ClinVar:

NM_017763.6(RNF43):c.1629G>A (p.Gln543=)

Gene: RNF43 (ring finger protein 43; minus strand). Cytogenetic location: 17q22.
Variant type: single nucleotide variant.
Coding change: c.1629G>A on transcript NM_017763.6 (MANE Select); coding-DNA position 1629, G replaced by A.
Protein change: p.Gln543=; no amino-acid change (glutamine 543 retained).
Molecular consequence: synonymous variant.
Genome position (GRCh38, 1-based): chr17:58,358,147, C>T on the plus strand (G>A on the coding strand, the complement: RNF43 is on the minus strand). VCF-style: chr17-58358147-C-T. GRCh37 (hg19) VCF-style: chr17-56435508-C-T.
Other names: c.1629G>A, p.Gln543= (NM_001305544.3, NM_001438820.1, NM_001438821.1 and 1 more transcripts); c.1248G>A, p.Gln416= (NM_001305545.2, NM_001437987.1).
Identifiers: ClinVar variation 4844763 (VCV004844763.2).

ClinVar aggregate classification (germline): Benign/Likely benign. Review status: criteria provided, multiple submitters, no conflicts (2 of 4 stars). 2 submissions from 2 submitters: Benign (1); Likely benign (1). Last evaluated 2026-07-02.

Conditions:
Sessile serrated polyposis cancer syndrome (SSPCS). Identifiers: Orphanet 157798, MedGen C4310714, MONDO:0014919, OMIM 617108.

Submissions (2):

Myriad Genetics, Inc.
Classification: Benign for Sessile serrated polyposis cancer syndrome. Last evaluated: 2026-07-02. Review status: criteria provided, single submitter. Criteria: Myriad Autosomal Dominant, Autosomal Recessive and X-Linked Classification Criteria (2023). Collection method: clinical testing. Allele origin: unknown.
Comment: This variant is considered benign. This variant is a silent/synonymous amino acid change and it is not expected to impact splicing.

Ambry Genetics
Classification: Likely benign. Last evaluated: 2026-01-18. Review status: criteria provided, single submitter. Criteria: Ambry Variant Classification Scheme 2023. Collection method: clinical testing. Allele origin: germline.